The following is an entry in ClinVar:

ClinVar aggregate classification (germline): Conflicting classifications of pathogenicity. Review status: criteria provided, conflicting classifications (1 of 4 stars). 3 submissions from 3 submitters: Uncertain significance (1); Likely benign (2). Last evaluated 2023-05-08.

Allele frequency attached by ClinVar (database versions not stated): gnomAD below 0.00001 and 0.00008; TOPMed 0.00003; 1000 Genomes Project 30x 0.00016; gnomAD exomes 0.00018; 1000 Genomes Project 0.00020; ExAC 0.00025.
gnomAD v4.1: 136 of 1,612,486 alleles (0.0084%); highest among the groups gnomAD compares: South Asian, 0.13%; 3 homozygotes.

Submissions (3):

Labcorp Genetics (formerly Invitae), Labcorp
Classification: Uncertain significance. Last evaluated: 2023-05-08. Review status: criteria provided, single submitter. Criteria: Invitae Variant Classification Sherloc (09022015). Collection method: clinical testing. Allele origin: germline.
Comment: In summary, the available evidence is currently insufficient to determine the role of this variant in disease. Therefore, it has been classified as a Variant of Uncertain Significance. Advanced modeling of protein sequence and biophysical properties (such as structural, functional, and spatial information, amino acid conservation, physicochemical variation, residue mobility, and thermodynamic stability) performed at Invitae indicates that this missense variant is expected to disrupt ERMARD protein function. ClinVar contains an entry for this variant (Variation ID: 389309). This variant has not been reported in the literature in individuals affected with ERMARD-related conditions. This variant is present in population databases (rs552023965, gnomAD 0.1%), and has an allele count higher than expected for a pathogenic variant. This sequence change replaces threonine, which is neutral and polar, with isoleucine, which is neutral and non-polar, at codon 634 of the ERMARD protein (p.Thr634Ile).

GeneDx
Classification: Likely benign. Last evaluated: 2016-10-05. Review status: criteria provided, single submitter. Criteria: GeneDx Variant Classification (06012015). Collection method: clinical testing. Allele origin: germline. Affected: yes.
Comment: This variant is considered likely benign or benign based on one or more of the following criteria: it is a conservative change, it occurs at a poorly conserved position in the protein, it is predicted to be benign by multiple in silico algorithms, and/or has population frequency not consistent with disease.

Breakthrough Genomics
Classification: Likely benign. Review status: criteria provided, single submitter. Criteria: ACMG Guidelines, 2015. Collection method: not provided. Allele origin: germline. Inheritance: Autosomal dominant inheritance. Affected: yes.

NM_018341.3(ERMARD):c.1901C>T (p.Thr634Ile)

Gene: ERMARD (ER membrane associated RNA degradation; plus strand). Cytogenetic location: 6q27.
Variant type: single nucleotide variant.
Coding change: c.1901C>T on transcript NM_018341.3 (MANE Select); coding-DNA position 1901, C replaced by T.
Protein change: p.Thr634Ile; replaces threonine 634 with isoleucine.
Molecular consequence: missense variant.
Genome position (GRCh38, 1-based): chr6:169,781,377, C>T. VCF-style: chr6-169781377-C-T. GRCh37 (hg19) VCF-style: chr6-170181473-C-T.
Other names: c.1760C>T, p.Thr587Ile (NM_001278531.2); c.1523C>T, p.Thr508Ile (NM_001278532.2); c.1682C>T, p.Thr561Ile (NM_001278533.2); short protein forms T634I, T508I, T561I, T587I.
Identifiers: ClinVar variation 389309 (VCV000389309.7), dbSNP rs552023965, ClinGen allele CA4106469.